The following is an entry in ClinVar:

ClinVar aggregate classification (germline): Uncertain significance (1 of 4 stars; one submission).

Conditions:
Bardet-Biedl syndrome (BBS). Identifiers: Orphanet 110, MedGen C0752166, MONDO:0015229.

Allele frequency attached by ClinVar (database versions not stated): gnomAD exomes 0.00001.

Submission:

Labcorp Genetics (formerly Invitae), Labcorp
Classification: Uncertain significance for Bardet-Biedl syndrome. Last evaluated: 2021-07-16. Review status: criteria provided, single submitter. Criteria: Invitae Variant Classification Sherloc (09022015). Collection method: clinical testing. Allele origin: germline.
Comment: Experimental studies and prediction algorithms are not available or were not evaluated, and the functional significance of this variant is currently unknown. This sequence change results in a frameshift in the BBS2 gene (p.Thr718Glnfs*6). While this is not anticipated to result in nonsense mediated decay, it is expected to disrupt the last 4 amino acid(s) of the BBS2 protein and extend the protein by 1 additional amino acid residues. This variant is not present in population databases (ExAC no frequency). This variant has not been reported in the literature in individuals affected with BBS2-related conditions. In summary, the available evidence is currently insufficient to determine the role of this variant in disease. Therefore, it has been classified as a Variant of Uncertain Significance.

NM_031885.5(BBS2):c.2152del (p.Thr718fs)

Gene: BBS2 (Bardet-Biedl syndrome 2; minus strand). Cytogenetic location: 16q13.
Variant type: Deletion.
Coding change: c.2152del on transcript NM_031885.5 (MANE Select); coding-DNA position 2152, one base deleted (A; older notation c.2152delA).
Protein change: p.Thr718fs; shifts the reading frame from threonine 718.
Molecular consequence: frameshift variant. On other transcripts: non-coding transcript variant (5).
Genome position (GRCh38, 1-based): chr16:56,484,775, T deleted on the plus strand (A on the coding strand, the reverse complement: BBS2 is on the minus strand). VCF-style (leftmost placement, unchanged base first): chr16-56484774-GT-G. GRCh37 (hg19) VCF-style: chr16-56518686-GT-G.
Other names: c.2152del, p.Thr718fs (NM_001377456.1); short protein forms T718fs.
Identifiers: ClinVar variation 1385333 (VCV001385333.6), dbSNP rs1156738620, ClinGen allele CA622307356.